The following is an entry in ClinVar:

NM_198576.4(AGRN):c.6001G>A (p.Val2001Met)

Gene: AGRN (agrin; plus strand). Cytogenetic location: 1p36.33.
Variant type: single nucleotide variant.
Coding change: c.6001G>A on transcript NM_198576.4 (MANE Select); coding-DNA position 6001, G replaced by A.
Protein change: p.Val2001Met; replaces valine 2001 with methionine.
Molecular consequence: missense variant.
Genome position (GRCh38, 1-based): chr1:1,054,844, G>A. VCF-style: chr1-1054844-G-A. GRCh37 (hg19) VCF-style: chr1-990224-G-A.
Other names: c.6070G>A, p.Val2024Met (NM_001305275.2); c.5698G>A, p.Val1900Met (NM_001364727.2); short protein forms V2001M, V1900M, V2024M.
Identifiers: ClinVar variation 474166 (VCV000474166.7), dbSNP rs775422356, ClinGen allele CA510311.

ClinVar aggregate classification (germline): Uncertain significance. Review status: criteria provided, multiple submitters, no conflicts (2 of 4 stars). 3 submissions from 3 submitters: Uncertain significance (3). Last evaluated 2025-06-18.

Conditions:
Congenital myasthenic syndrome 8. Also called: MYASTHENIC SYNDROME, CONGENITAL, DUE TO AGRIN DEFICIENCY; Myasthenic syndrome, congenital, 8, with pre- and postsynaptic defects. Identifiers: Orphanet 590, MedGen C3808739, MONDO:0014052, OMIM 615120.
Inborn genetic diseases. Identifiers: MedGen C0950123, MeSH D030342.

Allele frequency attached by ClinVar (database versions not stated): ExAC below 0.00001; gnomAD 0.00001; gnomAD exomes 0.00002; TOPMed 0.00006.

Submissions (3):

Ambry Genetics
Classification: Uncertain significance for Inborn genetic diseases. Last evaluated: 2025-06-18. Review status: criteria provided, single submitter. Criteria: Ambry Variant Classification Scheme 2023. Collection method: clinical testing. Allele origin: germline.

Labcorp Genetics (formerly Invitae), Labcorp
Classification: Uncertain significance for Congenital myasthenic syndrome 8. Last evaluated: 2022-07-25. Review status: criteria provided, single submitter. Criteria: Invitae Variant Classification Sherloc (09022015). Collection method: clinical testing. Allele origin: germline.
Comment: This variant is not present in population databases (gnomAD no frequency). This sequence change replaces valine, which is neutral and non-polar, with methionine, which is neutral and non-polar, at codon 2001 of the AGRN protein (p.Val2001Met). This variant has not been reported in the literature in individuals affected with AGRN-related conditions. In summary, the available evidence is currently insufficient to determine the role of this variant in disease. Therefore, it has been classified as a Variant of Uncertain Significance. Algorithms developed to predict the effect of missense changes on protein structure and function output the following: SIFT: "Deleterious"; PolyPhen-2: "Benign"; Align-GVGD: "Class C0". The methionine amino acid residue is found in multiple mammalian species, which suggests that this missense change does not adversely affect protein function. ClinVar contains an entry for this variant (Variation ID: 474166).

Fulgent Genetics
Classification: Uncertain significance for Congenital myasthenic syndrome 8. Last evaluated: 2018-10-31. Review status: criteria provided, single submitter. Criteria: ACMG Guidelines, 2015. Collection method: clinical testing. Allele origin: unknown.